The following is an entry in ClinVar:

ClinVar aggregate classification (germline): Uncertain significance. Review status: criteria provided, multiple submitters, no conflicts (2 of 4 stars). 2 submissions from 2 submitters: Uncertain significance (2). Last evaluated 2026-09-10.

Conditions:
Inborn genetic diseases. Identifiers: MedGen C0950123, MeSH D030342.

Submissions (2):

Ambry Genetics
Classification: Uncertain significance for Inborn genetic diseases. Last evaluated: 2026-09-10. Review status: criteria provided, single submitter. Criteria: Ambry Variant Classification Scheme 2023. Collection method: clinical testing. Allele origin: germline.

GeneDx
Classification: Uncertain significance. Last evaluated: 2023-10-03. Review status: criteria provided, single submitter. Criteria: GeneDx Variant Classification Process June 2021. Collection method: clinical testing. Allele origin: germline. Affected: yes.
Comment: Not observed at significant frequency in large population cohorts (gnomAD); In silico analysis supports that this missense variant does not alter protein structure/function; Has not been previously published as pathogenic or benign to our knowledge

NM_017780.4(CHD7):c.1292C>G (p.Pro431Arg)

Gene: CHD7 (chromodomain helicase DNA binding protein 7; plus strand). Cytogenetic location: 8q12.2.
Variant type: single nucleotide variant.
Coding change: c.1292C>G on transcript NM_017780.4 (MANE Select); coding-DNA position 1292, C replaced by G.
Protein change: p.Pro431Arg; replaces proline 431 with arginine.
Molecular consequence: missense variant.
Genome position (GRCh38, 1-based): chr8:60,742,724, C>G. VCF-style: chr8-60742724-C-G. GRCh37 (hg19) VCF-style: chr8-61655283-C-G.
Other names: c.1292C>G, p.Pro431Arg (NM_001316690.1); c.1292C>G (NM_017780.3); short protein forms P431R.
Identifiers: ClinVar variation 3252538 (VCV003252538.2), dbSNP rs2487280440.